The following is an entry in ClinVar:

ClinVar aggregate classification (germline): Uncertain significance. Review status: criteria provided, multiple submitters, no conflicts (2 of 4 stars). 3 submissions from 3 submitters: Uncertain significance (3). Last evaluated 2025-09-08.

Conditions:
Hereditary cancer-predisposing syndrome. Also called: Hereditary neoplastic syndrome; Hereditary Cancer Syndrome; Neoplastic Syndromes, Hereditary; Tumor predisposition. Identifiers: Orphanet 140162, MedGen C0027672, MeSH D009386, MONDO:0015356.
Familial adenomatous polyposis 1 (FAP1). Also called: POLYPOSIS, ADENOMATOUS INTESTINAL; FAMILIAL ADENOMATOUS POLYPOSIS 1, ATTENUATED. Identifiers: MedGen C2713442, MONDO:0021056, OMIM 175100. Disease mechanism: loss of function.

Submissions (3):

Ambry Genetics
Classification: Uncertain significance for Hereditary cancer-predisposing syndrome. Last evaluated: 2025-09-08. Review status: criteria provided, single submitter. Criteria: Ambry Variant Classification Scheme 2023. Collection method: clinical testing. Allele origin: germline.
Comment: The p.A3T variant (also known as c.7G>A), located in coding exon 1 of the APC gene, results from a G to A substitution at nucleotide position 7. The alanine at codon 3 is replaced by threonine, an amino acid with similar properties. This amino acid position is highly conserved in available vertebrate species. In addition, in silico predictors for this gene do not accurately predict pathogenicity. Missense alterations in APC are not a common cause of disease (Spier I et al. Genet Med. 2024 Feb;26(2):100992). Based on the available evidence, the clinical significance of this variant remains unclear.

Color Diagnostics, LLC DBA Color Health
Classification: Uncertain significance for Hereditary cancer-predisposing syndrome. Last evaluated: 2024-10-15. Review status: criteria provided, single submitter. Criteria: ACMG Guidelines, 2015. Collection method: clinical testing. Allele origin: germline.
Comment: This missense variant replaces alanine with threonine at codon 3 of the APC protein. Computational prediction suggests that this variant may not impact protein structure and function (internally defined REVEL score threshold <= 0.5, PMID: 27666373). To our knowledge, functional studies have not been reported for this variant. This variant has not been reported in individuals affected with APC-related disorders in the literature. This variant has not been identified in the general population by the Genome Aggregation Database (gnomAD). The available evidence is insufficient to determine the role of this variant in disease conclusively. Therefore, this variant is classified as a Variant of Uncertain Significance.

Labcorp Genetics (formerly Invitae), Labcorp
Classification: Uncertain significance for Familial adenomatous polyposis 1. Last evaluated: 2023-08-14. Review status: criteria provided, single submitter. Criteria: Invitae Variant Classification Sherloc (09022015). Collection method: clinical testing. Allele origin: germline.
Comment: This sequence change replaces alanine, which is neutral and non-polar, with threonine, which is neutral and polar, at codon 3 of the APC protein (p.Ala3Thr). This variant is not present in population databases (gnomAD no frequency). This variant has not been reported in the literature in individuals affected with APC-related conditions. ClinVar contains an entry for this variant (Variation ID: 2567050). Advanced modeling of protein sequence and biophysical properties (such as structural, functional, and spatial information, amino acid conservation, physicochemical variation, residue mobility, and thermodynamic stability) performed at Invitae indicates that this missense variant is not expected to disrupt APC protein function. In summary, the available evidence is currently insufficient to determine the role of this variant in disease. Therefore, it has been classified as a Variant of Uncertain Significance.

NM_000038.6(APC):c.7G>A (p.Ala3Thr)

Gene: APC (APC regulator of Wnt signaling pathway; plus strand). Cytogenetic location: 5q22.2.
Variant type: single nucleotide variant.
Coding change: c.7G>A on transcript NM_000038.6 (MANE Select); coding-DNA position 7, G replaced by A.
Protein change: p.Ala3Thr; replaces alanine 3 with threonine.
Molecular consequence: missense variant. On other transcripts: 5 prime UTR variant (4), non-coding transcript variant (2), intron variant (11).
Genome position (GRCh38, 1-based): chr5:112,754,897, G>A. VCF-style: chr5-112754897-G-A. GRCh37 (hg19) VCF-style: chr5-112090594-G-A.
Other names: c.7G>A, p.Ala3Thr (NM_001127510.3, NM_001354895.2, NM_001354896.2 and 16 more transcripts); c.-1029G>A (NM_001354906.2, NM_001407470.1, NM_001407471.1 and 1 more transcripts); c.166-11429G>A (NM_001407446.1, NM_001354897.2, NM_001354902.2 and 1 more transcripts); c.-42-11429G>A (NM_001407453.1, NM_001354900.2, NM_001354901.2 and 1 more transcripts); c.61-11429G>A (NM_001407451.1, NM_001354898.2, NM_001354904.2); short protein forms A3T.
Identifiers: ClinVar variation 2567050 (VCV002567050.7), dbSNP rs2149737242, ClinGen allele CA16021349.